The following is an entry in ClinVar:

ClinVar aggregate classification (germline): Uncertain significance (1 of 4 stars; one submission).

Conditions:
Hereditary cancer-predisposing syndrome. Also called: Neoplastic Syndromes, Hereditary; Tumor predisposition; Hereditary Cancer Syndrome; Hereditary neoplastic syndrome. Identifiers: Orphanet 140162, MedGen C0027672, MeSH D009386, MONDO:0015356.

Submission:

Ambry Genetics
Classification: Uncertain significance for Hereditary cancer-predisposing syndrome. Last evaluated: 2025-12-23. Review status: criteria provided, single submitter. Criteria: Ambry Variant Classification Scheme 2023. Collection method: clinical testing. Allele origin: germline.
Comment: The p.Y1736F variant (also known as c.5207A>T), located in coding exon 40 of the TSC2 gene, results from an A to T substitution at nucleotide position 5207. The tyrosine at codon 1736 is replaced by phenylalanine, an amino acid with highly similar properties. This amino acid position is conserved. In addition, this alteration is predicted to be deleterious by in silico analysis. Based on the available evidence, the clinical significance of this variant remains unclear.

NM_000548.5(TSC2):c.5207A>T (p.Tyr1736Phe)

Gene: TSC2 (TSC complex subunit 2; plus strand). Cytogenetic location: 16p13.3.
Variant type: single nucleotide variant.
Coding change: c.5207A>T on transcript NM_000548.5 (MANE Select); coding-DNA position 5207, A replaced by T.
Protein change: p.Tyr1736Phe; replaces tyrosine 1736 with phenylalanine.
Molecular consequence: missense variant. On other transcripts: non-coding transcript variant (5).
Genome position (GRCh38, 1-based): chr16:2,088,273, A>T. VCF-style: chr16-2088273-A-T. GRCh37 (hg19) VCF-style: chr16-2138274-A-T.
Other names: c.5006A>T, p.Tyr1669Phe (NM_001077183.3); c.5138A>T, p.Tyr1713Phe (NM_001114382.3); c.4898A>T, p.Tyr1633Phe (NM_001318827.2); c.4862A>T, p.Tyr1621Phe (NM_001318829.2); c.4475A>T, p.Tyr1492Phe (NM_001318831.2); c.5039A>T, p.Tyr1680Phe (NM_001318832.2); c.5009A>T, p.Tyr1670Phe (NM_001363528.2); c.5075A>T, p.Tyr1692Phe (NM_001370404.1); and 27 more; short protein forms Y1469F, Y1492F, Y1512F, Y1513F, Y1663F, Y1680F, Y1689F, Y1700F.
Identifiers: ClinVar variation 4842411 (VCV004842411.1).
Genomic context (GRCh38, chr16:2,088,273, plus strand): 5'-GCCTACGTCCCCAGATGGCCTCACAGGTGCATCATAGCCGCTCCAACCCCACCGATATCT[A>T]CCCCTCCAAGTGGATTGCCCGGCTCCGCCACATCAAGCGGCTCCGCCAGCGGGTAGGGAA-3'
Protein context (NP_000539.2, residues 1726-1746): HHSRSNPTDI[Tyr1736Phe]PSKWIARLRH